The following is an entry in ClinVar:

ClinVar aggregate classification (germline): Uncertain significance (1 of 4 stars; one submission).

Conditions:
Charcot-Marie-Tooth disease, type I (CMT1). Also called: Charcot-Marie-Tooth, Type 1; Charcot-Marie-Tooth disease type 1. Identifiers: Orphanet 65753, MedGen C0751036, MONDO:0019011.

Allele frequency attached by ClinVar (database versions not stated): TOPMed 0.00001; gnomAD exomes 0.00001.
gnomAD v4.1: 8 of 1,614,174 alleles (0.0005%); highest among the groups gnomAD compares: Admixed American, 0.0017%; no homozygotes.

Submission:

Labcorp Genetics (formerly Invitae), Labcorp
Classification: Uncertain significance for Charcot-Marie-Tooth disease, type I. Last evaluated: 2022-10-17. Review status: criteria provided, single submitter. Criteria: Invitae Variant Classification Sherloc (09022015). Collection method: clinical testing. Allele origin: germline.
Comment: Advanced modeling of protein sequence and biophysical properties (such as structural, functional, and spatial information, amino acid conservation, physicochemical variation, residue mobility, and thermodynamic stability) performed at Invitae indicates that this missense variant is not expected to disrupt EGR2 protein function. ClinVar contains an entry for this variant (Variation ID: 857015). This variant has not been reported in the literature in individuals affected with EGR2-related conditions. This variant is present in population databases (no rsID available, gnomAD 0.0009%). This sequence change replaces alanine, which is neutral and non-polar, with aspartic acid, which is acidic and polar, at codon 42 of the EGR2 protein (p.Ala42Asp). In summary, the available evidence is currently insufficient to determine the role of this variant in disease. Therefore, it has been classified as a Variant of Uncertain Significance.

NM_000399.5(EGR2):c.125C>A (p.Ala42Asp)

Gene: EGR2 (early growth response 2; minus strand). Cytogenetic location: 10q21.3.
Variant type: single nucleotide variant.
Coding change: c.125C>A on transcript NM_000399.5 (MANE Select); coding-DNA position 125, C replaced by A.
Protein change: p.Ala42Asp; replaces alanine 42 with aspartic acid.
Molecular consequence: missense variant. On other transcripts: 5 prime UTR variant (2).
Genome position (GRCh38, 1-based): chr10:62,815,905, G>T on the plus strand (C>A on the coding strand, the complement: EGR2 is on the minus strand). VCF-style: chr10-62815905-G-T. GRCh37 (hg19) VCF-style: chr10-64575665-G-T.
Other names: c.125C>A, p.Ala42Asp (NM_001136177.3, NM_001136178.2); c.-26C>A (NM_001136179.3, NM_001321037.2); short protein forms A42D.
Identifiers: ClinVar variation 857015 (VCV000857015.7), dbSNP rs969576126, ClinGen allele CA208353284.